The following is an entry in ClinVar:

NM_000321.3(RB1):c.850A>C (p.Asn284His)

Gene: RB1 (RB transcriptional corepressor 1; plus strand). Cytogenetic location: 13q14.2.
Variant type: single nucleotide variant.
Coding change: c.850A>C on transcript NM_000321.3 (MANE Select); coding-DNA position 850, A replaced by C.
Protein change: p.Asn284His; replaces asparagine 284 with histidine.
Molecular consequence: missense variant.
Genome position (GRCh38, 1-based): chr13:48,362,946, A>C. VCF-style: chr13-48362946-A-C. GRCh37 (hg19) VCF-style: chr13-48937082-A-C.
Other names: c.850A>C, p.Asn284His (NM_001407165.1, NM_001407166.1); short protein forms N284H.
Identifiers: ClinVar variation 4774721 (VCV004774721.1).
Genomic context (GRCh38, chr13:48,362,946, plus strand): 5'-GCAAAACAACTAGAAAATGATACAAGAATTATTGAAGTTCTCTGTAAAGAACATGAATGT[A>C]ATATAGATGAGGTAATTTAACTTCATGATTTCTTTAAAACAGTTAAAGTAGATTTAGATG-3'
Protein context (NP_000312.2, residues 274-294): IEVLCKEHEC[Asn284His]IDEVKNVYFK

ClinVar aggregate classification (germline): Uncertain significance (1 of 4 stars; one submission).

Conditions:
Retinoblastoma (RB1). Also called: RETINOBLASTOMA, SOMATIC. Identifiers: Orphanet 790, MedGen C0035335, MeSH D012175, MONDO:0008380, OMIM 180200, HP:0009919. Disease mechanism: loss of function. Inheritance: Both sporadic and heritable forms are tested..

gnomAD v4.1: 1 of 1,612,728 alleles (0.000062%); highest among the groups gnomAD compares: South Asian, 0.0011%; no homozygotes.

Submission:

Labcorp Genetics (formerly Invitae), Labcorp
Classification: Uncertain significance for Retinoblastoma. Last evaluated: 2025-02-18. Review status: criteria provided, single submitter. Criteria: Invitae Variant Classification Sherloc (09022015). Collection method: clinical testing. Allele origin: germline.
Comment: This sequence change replaces asparagine, which is neutral and polar, with histidine, which is basic and polar, at codon 284 of the RB1 protein (p.Asn284His). This variant is not present in population databases (gnomAD no frequency). This variant has not been reported in the literature in individuals affected with RB1-related conditions. Invitae Evidence Modeling of protein sequence and biophysical properties (such as structural, functional, and spatial information, amino acid conservation, physicochemical variation, residue mobility, and thermodynamic stability) indicates that this missense variant is not expected to disrupt RB1 protein function with a negative predictive value of 80%. In summary, the available evidence is currently insufficient to determine the role of this variant in disease. Therefore, it has been classified as a Variant of Uncertain Significance.